The following is an entry in ClinVar:

NM_006949.4(STXBP2):c.134del (p.Cys45fs)

Gene: STXBP2 (syntaxin binding protein 2; plus strand). Cytogenetic location: 19p13.2.
Variant type: Deletion.
Coding change: c.134del on transcript NM_006949.4 (MANE Select); coding-DNA position 134, one base deleted (G; older notation c.134delG).
Protein change: p.Cys45fs; shifts the reading frame from cysteine 45.
Molecular consequence: frameshift variant. On other transcripts: non-coding transcript variant (1).
Genome position (GRCh38, 1-based): chr19:7,639,065, G deleted. VCF-style (leftmost placement, unchanged base first): chr19-7639064-TG-T. GRCh37 (hg19) VCF-style: chr19-7703950-TG-T.
Other names: c.134del, p.Cys45fs (NM_001127396.3, NM_001272034.2); short protein forms C45fs.
Identifiers: ClinVar variation 565320 (VCV000565320.7), dbSNP rs1568463402, ClinGen allele CA891843722.

ClinVar aggregate classification (germline): Pathogenic (1 of 4 stars; one submission).

Conditions:
Familial hemophagocytic lymphohistiocytosis 5. Also called: STXBP2-Related Familial Hemophagocytic Lymphohistiocytosis (STXBP2-fHLH). Identifiers: Orphanet 540, MedGen C2751293, MONDO:0013135, OMIM 613101.

Submission:

Labcorp Genetics (formerly Invitae), Labcorp
Classification: Pathogenic for Familial hemophagocytic lymphohistiocytosis 5. Last evaluated: 2018-05-02. Review status: criteria provided, single submitter. Criteria: Invitae Variant Classification Sherloc (09022015). Collection method: clinical testing. Allele origin: germline.
Comment: For these reasons, this variant has been classified as Pathogenic. Loss-of-function variants in STXBP2 are known to be pathogenic (PMID: 19804848, 22451424). This variant has not been reported in the literature in individuals with STXBP2-related disease. This variant is not present in population databases (ExAC no frequency). This sequence change creates a premature translational stop signal (p.Cys45Serfs*33) in the STXBP2 gene. It is expected to result in an absent or disrupted protein product.

Literature cited by the submitters: PubMed 19804848; PubMed 22451424.